The following is an entry in ClinVar:

NM_016507.4(CDK12):c.295C>G (p.Arg99Gly)

Genes: CDK12 (cyclin dependent kinase 12; plus strand), LOC126862553 (CDK7 strongly-dependent group 2 enhancer GRCh37_chr17:37618166-37619365; plus strand). Cytogenetic location: 17q12.
Variant type: single nucleotide variant.
Coding change: c.295C>G on transcript NM_016507.4 (MANE Select); coding-DNA position 295, C replaced by G.
Protein change: p.Arg99Gly; replaces arginine 99 with glycine.
Molecular consequence: missense variant.
Genome position (GRCh38, 1-based): chr17:39,462,366, C>G. VCF-style: chr17-39462366-C-G. GRCh37 (hg19) VCF-style: chr17-37618619-C-G.
Other names: c.295C>G, p.Arg99Gly (NM_015083.4); short protein forms R99G.
Identifiers: ClinVar variation 3999445 (VCV003999445.1).

ClinVar aggregate classification (germline): Uncertain significance (1 of 4 stars; one submission).

gnomAD v4.1: 1 of 1,614,182 alleles (0.000062%); highest among the groups gnomAD compares: Non-Finnish European, 0.000085%; no homozygotes.

Submission:

Ambry Genetics
Classification: Uncertain significance. Last evaluated: 2025-05-11. Review status: criteria provided, single submitter. Criteria: Ambry Variant Classification Scheme 2023. Collection method: clinical testing. Allele origin: germline.
Comment: The p.R99G variant (also known as c.295C>G), located in coding exon 1 of the CDK12 gene, results from a C to G substitution at nucleotide position 295. The arginine at codon 99 is replaced by glycine, an amino acid with dissimilar properties. This amino acid position is conserved. In addition, this alteration is predicted to be tolerated by in silico analysis. Based on the available evidence, the clinical significance of this variant remains unclear.